The following is an entry in ClinVar:

ClinVar aggregate classification (germline): Pathogenic (1 of 4 stars; one submission).

Conditions:
Alpha-N-acetylgalactosaminidase deficiency type 1. Also called: SCHINDLER DISEASE, TYPE I; ALPHA-N-ACETYLGALACTOSAMINIDASE DEFICIENCY, TYPE I; NAGA DEFICIENCY, TYPE I; NEUROAXONAL DYSTROPHY, SCHINDLER TYPE. Identifiers: Orphanet 3137, Orphanet 79279, Orphanet 79281, MedGen C1836544, MONDO:0012221, OMIM 609241.

Submission:

Labcorp Genetics (formerly Invitae), Labcorp
Classification: Pathogenic for Alpha-N-acetylgalactosaminidase deficiency type 1. Last evaluated: 2023-09-22. Review status: criteria provided, single submitter. Criteria: Invitae Variant Classification Sherloc (09022015). Collection method: clinical testing. Allele origin: germline.
Comment: For these reasons, this variant has been classified as Pathogenic. This variant has not been reported in the literature in individuals affected with NAGA-related conditions. This variant is not present in population databases (gnomAD no frequency). This sequence change creates a premature translational stop signal (p.Met253Alafs*83) in the NAGA gene. It is expected to result in an absent or disrupted protein product. Loss-of-function variants in NAGA are known to be pathogenic (PMID: 8782044, 11251574).

Literature cited by the submitters: PubMed 8782044; PubMed 11251574.

NM_000262.3(NAGA):c.756_757del (p.Met253fs)

Gene: NAGA (alpha-N-acetylgalactosaminidase; minus strand). Cytogenetic location: 22q13.2.
Variant type: Deletion.
Coding change: c.756_757del on transcript NM_000262.3 (MANE Select); coding-DNA positions 756 to 757, 2 bases deleted (CA; older notation c.756_757delCA).
Protein change: p.Met253fs; shifts the reading frame from methionine 253.
Molecular consequence: frameshift variant.
Genome position (GRCh38, 1-based): chr22:42,065,740-42,065,741, TG deleted on the plus strand (CA on the coding strand, the reverse complement: NAGA is on the minus strand); deleting any 2 consecutive bases within chr22:42,065,740-42,065,742 gives the same sequence; the c. name uses the placement nearest the transcript's 3' end. VCF-style (leftmost placement, unchanged base first): chr22-42065739-ATG-A. GRCh37 (hg19) VCF-style: chr22-42461743-ATG-A.
Other names: c.756_757del, p.Met253fs (NM_001362848.1, NM_001362850.1); short protein forms M253fs.
Identifiers: ClinVar variation 2754823 (VCV002754823.3), dbSNP rs2519061179, ClinGen allele CA2697552788.